The following is an entry in ClinVar:

ClinVar aggregate classification (germline): Uncertain significance. Review status: criteria provided, multiple submitters, no conflicts (2 of 4 stars). 4 submissions from 4 submitters: Uncertain significance (3). 1 of the submissions does not count toward it. Last evaluated 2022-08-09.

Conditions:
Nemaline myopathy 2 (NEM2). Also called: Nemaline myopathy 2, autosomal recessive. Identifiers: MedGen C1850569, MONDO:0009725, OMIM 256030.

Allele frequency attached by ClinVar (database versions not stated): TOPMed 0.00006; gnomAD 0.00004; gnomAD exomes 0.00003; ExAC 0.00006.
gnomAD v4.1: 49 of 1,552,276 alleles (0.0032%); highest among the groups gnomAD compares: African/African-American, 0.0054%; no homozygotes.

Submissions (4):

Labcorp Genetics (formerly Invitae), Labcorp
Classification: Uncertain significance for Nemaline myopathy 2. Last evaluated: 2022-08-09. Review status: criteria provided, single submitter. Criteria: Invitae Variant Classification Sherloc (09022015). Collection method: clinical testing. Allele origin: germline.
Comment: This sequence change falls in intron 135 of the NEB gene. It does not directly change the encoded amino acid sequence of the NEB protein. It affects a nucleotide within the consensus splice site. This variant is present in population databases (rs775513148, gnomAD 0.007%). This variant has not been reported in the literature in individuals affected with NEB-related conditions. ClinVar contains an entry for this variant (Variation ID: 193781). Variants that disrupt the consensus splice site are a relatively common cause of aberrant splicing (PMID: 17576681, 9536098). Algorithms developed to predict the effect of sequence changes on RNA splicing suggest that this variant is not likely to affect RNA splicing. In summary, the available evidence is currently insufficient to determine the role of this variant in disease. Therefore, it has been classified as a Variant of Uncertain Significance.

Illumina Laboratory Services, Illumina
Classification: Uncertain significance for Nemaline myopathy 2. Last evaluated: 2018-01-12. Review status: criteria provided, single submitter. Criteria: ICSL Variant Classification Criteria 13 December 2019. Collection method: clinical testing. Allele origin: germline.

Eurofins Ntd Llc (ga)
Classification: Uncertain significance. Last evaluated: 2014-11-21. Review status: criteria provided, single submitter. Criteria: EGL Classification Definitions 2015. Collection method: clinical testing. Allele origin: germline. Observed: 1 variant allele, 1 heterozygote.

Natera, Inc.
Classification: Uncertain significance for Nemaline myopathy type 2. Last evaluated: 2020-01-17. Review status: no assertion criteria provided. Collection method: clinical testing. Allele origin: germline. Not counted in ClinVar's aggregate classification.

Literature cited by the submitters: PubMed 17576681 (cited by Labcorp Genetics (formerly Invitae), Labcorp); PubMed 9536098 (cited by Labcorp Genetics (formerly Invitae), Labcorp).

NM_001164508.2(NEB):c.20577+6G>A

Gene: NEB (nebulin; minus strand). Cytogenetic location: 2q23.3.
Variant type: single nucleotide variant.
Coding change: c.20577+6G>A on transcript NM_001164508.2 (MANE Select); 6 bases into the intron after coding-DNA position 20577, G replaced by A.
Molecular consequence: intron variant.
Genome position (GRCh38, 1-based): chr2:151,545,882, C>T on the plus strand (G>A on the coding strand, the complement: NEB is on the minus strand). VCF-style: chr2-151545882-C-T. GRCh37 (hg19) VCF-style: chr2-152402396-C-T.
Other names: c.15474+6G>A (NM_004543.5); c.20577+6G>A (NM_001164507.2, NM_001271208.2).
Identifiers: ClinVar variation 193781 (VCV000193781.15), dbSNP rs775513148, ClinGen allele CA239427.